The following is an entry in ClinVar:

NM_002345.4(LUM):c.591C>T (p.Ala197=)

Gene: LUM (lumican; minus strand). Cytogenetic location: 12q21.33.
Variant type: single nucleotide variant.
Coding change: c.591C>T on transcript NM_002345.4 (MANE Select); coding-DNA position 591, C replaced by T.
Protein change: p.Ala197=; no amino-acid change (alanine 197 retained).
Molecular consequence: synonymous variant.
Genome position (GRCh38, 1-based): chr12:91,108,389, G>A on the plus strand (C>T on the coding strand, the complement: LUM is on the minus strand). VCF-style: chr12-91108389-G-A. GRCh37 (hg19) VCF-style: chr12-91502166-G-A.
Identifiers: ClinVar variation 3044934 (VCV003044934.2), dbSNP rs200667565, ClinGen allele CA6716760.

ClinVar aggregate classification (germline): Likely benign (0 of 4 stars; one submission).

Conditions:
LUM-related disorder. Also called: LUM-related condition.

Allele frequency attached by ClinVar (database versions not stated): ExAC 0.00006; TOPMed 0.00008; gnomAD 0.00009; ESP Exome Variant Server 0.00015; gnomAD exomes 0.00015.
gnomAD v4.1: 231 of 1,614,064 alleles (0.014%); highest among the groups gnomAD compares: Non-Finnish European, 0.019%; no homozygotes.

Submission:

PreventionGenetics, part of Exact Sciences
Classification: Likely benign for LUM-related condition. Last evaluated: 2019-07-10. Review status: no assertion criteria provided. Collection method: clinical testing. Allele origin: germline.
Comment: This variant is classified as likely benign based on ACMG/AMP sequence variant interpretation guidelines (Richards et al. 2015 PMID: 25741868, with internal and published modifications).